The following continues an entry in ClinVar:

NM_007294.4(BRCA1):c.4689C>G (p.Tyr1563Ter)

Gene: BRCA1. ClinVar aggregate classification (germline): Pathogenic. Pathogenic (1).

Submissions 27 to 47 of 47:

GeneKor MSA
Classification: Pathogenic. Last evaluated: 2020-01-01. Review status: criteria provided, single submitter. Criteria: ACMG Guidelines, 2015. Collection method: clinical testing. Allele origin: germline. Not counted in ClinVar's aggregate classification.
Comment: This sequence change creates a premature translational stop signal at codon 1563 (p.Tyr1563*). It is expected to result in an absent or disrupted protein product. Truncating variants in BRCA1 are known to be pathogenic. This particular truncation has been reported in the literature in individuals affected with hereditary breast and ovarian cancer (PMID: 8554067, 23110154, 25066507, 20727672, 27167707). This sequence change is also known as 4808C>G in the literature. This particular variant has been described in the mutation database ClinVar (Variation ID: 37607) as pathogenic.

Genome Diagnostics Laboratory, University Medical Center Utrecht
Classification: Pathogenic for Breast-ovarian cancer, familial, susceptibility to, 1. Last evaluated: 2017-07-28. Review status: criteria provided, single submitter. Criteria: ACGS Guidelines, 2013. Collection method: clinical testing. Allele origin: germline. Affected: yes. Study: VKGL Data-share Consensus. Not counted in ClinVar's aggregate classification.

Human Genome Sequencing Center Clinical Lab, Baylor College of Medicine
Classification: Pathogenic for Breast-ovarian cancer, familial, susceptibility to, 1. Last evaluated: 2017-06-06. Review status: criteria provided, single submitter. Criteria: ACMG Guidelines, 2015. Collection method: clinical testing. Allele origin: germline. Not counted in ClinVar's aggregate classification.
Comment: The c.4689C>G (p.Tyr1563*) variant in the BRCA1 gene has been detected multiple patients with breast cancer and/or ovarian cancer [PMID 8554067, 23110154]. This variant creates a premature stop codon at amino acid position 1563 of the BRCA1 protein. This variant is thus predicted to result in a loss of function of the protein. This variant has not been observed in the ExAC population database. This variant is thus classified as pathogenic.

Baylor Genetics
Classification: Pathogenic for Familial cancer of breast. Last evaluated: 2017-02-23. Review status: criteria provided, single submitter. Criteria: ACMG Guidelines, 2015. Collection method: clinical testing. Allele origin: germline. Inheritance: Autosomal dominant inheritance. Affected: yes. Observed: 1 variant allele. Not counted in ClinVar's aggregate classification.

Clinical Genetics and Genomics, Karolinska University Hospital
Classification: Pathogenic. Last evaluated: 2017-02-22. Review status: criteria provided, single submitter. Criteria: ACMG Guidelines, 2015. Collection method: clinical testing. Allele origin: germline. Affected: yes. Observed: 1 variant allele. Not counted in ClinVar's aggregate classification.

Snyder Lab, Genetics Department, Stanford University
Classification: Pathogenic for Breast-ovarian cancer, familial 1. Last evaluated: 2017-01-01. Review status: criteria provided, single submitter. Criteria: ACMG Guidelines, 2015. Collection method: research. Allele origin: germline. Not counted in ClinVar's aggregate classification.

Laboratory for Molecular Medicine, Mass General Brigham Personalized Medicine
Classification: Pathogenic for Hereditary breast ovarian cancer syndrome. Last evaluated: 2016-08-05. Review status: criteria provided, single submitter. Criteria: ACMG Guidelines, 2015. Collection method: clinical testing. Allele origin: germline. Not counted in ClinVar's aggregate classification.
Comment: The p.Tyr1563X variant in BRCA1 has been reported in >50 individuals with BRCA1-associated cancers (Breast cancer information core (BIC) database, Serova 1996, Pern 2012, Janavičius 2014, Koczkowska 2016) and was absent from large population studies. This nonsense variant leads to a premature termination codon at position 1563, which is predicted to lead to a truncated or absent protein. Heterozygous loss of function of the BRCA1 gene is an established disease mechanism in hereditary breast and ovarian cancer (HBOC). Additionally, the p.Tyr1563X variant was classified as Pathogenic on April 22, 2016 by the ClinGen-approved ENIGMA Expert Panel (SCV000282332.1). In summary, this variant meets criteria to be classified as pathogenic for HBOC in an autosomal dominant manner based upon its predicted impact to the protein, absence from controls, and numerous reports in affected individuals.

Genetic Services Laboratory, University of Chicago
Classification: Pathogenic for {Breast-ovarian cancer, familial, 1}. Last evaluated: 2016-05-16. Review status: criteria provided, single submitter. Criteria: ACMG Guidelines, 2015. Collection method: clinical testing. Allele origin: germline. Affected: yes. Not counted in ClinVar's aggregate classification.

Molecular Genetics Laboratory, University of Michigan
Classification: Pathogenic for Breast-ovarian cancer, familial, susceptibility to, 1. Last evaluated: 2016-04-21. Review status: criteria provided, single submitter. Criteria: ACMG Guidelines, 2015. Collection method: clinical testing. Allele origin: germline. Affected: yes. Not counted in ClinVar's aggregate classification.

Consortium of Investigators of Modifiers of BRCA1/2 (CIMBA), c/o University of Cambridge
Classification: Pathogenic for Breast-ovarian cancer, familial, susceptibility to, 1. Last evaluated: 2015-10-02. Review status: criteria provided, single submitter. Criteria: CIMBA Mutation Classification guidelines May 2016. Collection method: clinical testing. Allele origin: germline. Not counted in ClinVar's aggregate classification.

Clinical Genetics DNA and cytogenetics Diagnostics Lab, Erasmus MC, Erasmus Medical Center
Classification: Pathogenic for Breast-ovarian cancer, familial, susceptibility to, 1. Last evaluated: 2015-09-21. Review status: criteria provided, single submitter. Criteria: ACGS Guidelines, 2013. Collection method: clinical testing. Allele origin: germline. Affected: yes. Study: VKGL Data-share Consensus. Not counted in ClinVar's aggregate classification.

Department of Medical Genetics, Oslo University Hospital
Classification: Pathogenic for Breast-ovarian cancer, familial, susceptibility to, 1. Last evaluated: 2015-07-01. Review status: criteria provided, single submitter. Criteria: ACMG Guidelines, 2015. Collection method: clinical testing. Allele origin: germline. Affected: yes. Observed: 5 variant alleles. Not counted in ClinVar's aggregate classification.

Eurofins Ntd Llc (ga)
Classification: Pathogenic. Last evaluated: 2015-05-14. Review status: criteria provided, single submitter. Criteria: EGL Classification Definitions 2015. Collection method: clinical testing. Allele origin: germline. Observed: 3 variant alleles, 3 heterozygotes. Not counted in ClinVar's aggregate classification.

BRCAlab, Lund University
Classification: Pathogenic for Breast-ovarian cancer, familial, susceptibility to, 1. Last evaluated: 2022-08-26. Review status: no assertion criteria provided. Collection method: clinical testing. Allele origin: germline. Affected: yes. Not counted in ClinVar's aggregate classification.

German Consortium for Hereditary Breast and Ovarian Cancer, University Hospital Cologne
Classification: Pathogenic for Ovarian neoplasm. Last evaluated: 2018-12-01. Review status: no assertion criteria provided. Collection method: research. Allele origin: germline. Affected: yes. Not counted in ClinVar's aggregate classification.

Counsyl
Classification: Pathogenic for Breast-ovarian cancer, familial, susceptibility to, 1. Last evaluated: 2016-04-28. Review status: no assertion criteria provided. Collection method: clinical testing. Allele origin: unknown. Not counted in ClinVar's aggregate classification.

Research Molecular Genetics Laboratory, Women's College Hospital, University of Toronto
Classification: Pathogenic for Hereditary breast ovarian cancer syndrome. Last evaluated: 2014-01-31. Review status: no assertion criteria provided. Collection method: research. Allele origin: germline. Affected: yes. Study: The Canadian Open Genetics Repository (COGR). Not counted in ClinVar's aggregate classification.

Sharing Clinical Reports Project (SCRP)
Classification: Pathogenic for Breast-ovarian cancer, familial 1. Last evaluated: 2013-03-04. Review status: no assertion criteria provided. Collection method: clinical testing. Allele origin: germline. Not counted in ClinVar's aggregate classification.

Breast Cancer Information Core (BIC) (BRCA1)
Classification: Pathogenic for Breast-ovarian cancer, familial 1. Last evaluated: 2002-05-29. Review status: no assertion criteria provided. Collection method: clinical testing. Allele origin: germline, unknown. Affected: yes. Observed: 54 variant alleles. Not counted in ClinVar's aggregate classification.

Department of Pathology and Laboratory Medicine, Sinai Health System
Classification: Uncertain significance. Review status: no assertion criteria provided. Collection method: clinical testing. Allele origin: unknown. Affected: yes. Observed: 1 variant allele. Study: The Canadian Open Genetics Repository (COGR). Not counted in ClinVar's aggregate classification.

Diagnostic Laboratory, Department of Genetics, University Medical Center Groningen
Classification: Pathogenic for Breast-ovarian cancer, familial, susceptibility to, 1. Review status: no assertion criteria provided. Collection method: clinical testing. Allele origin: germline. Affected: yes. Study: VKGL Data-share Consensus. Not counted in ClinVar's aggregate classification.

Literature cited by the submitters: PubMed 20104584 (cited by Labcorp Genetics (formerly Invitae), Labcorp); PubMed 8554067 (cited by 8 submitters); PubMed 20727672 (cited by 6 submitters); PubMed 23110154 (cited by 9 submitters); PubMed 25066507 (cited by 5 submitters); PubMed 27167707 (cited by 4 submitters); PubMed 33439686 (cited by Quest Diagnostics Nichols Institute San Juan Capistrano); PubMed 36367610 (cited by Quest Diagnostics Nichols Institute San Juan Capistrano); PubMed 38355628 (cited by Quest Diagnostics Nichols Institute San Juan Capistrano); PubMed 33471991 (cited by 3 submitters); PubMed 38201484 (cited by Quest Diagnostics Nichols Institute San Juan Capistrano); PubMed 34680878 (cited by Quest Diagnostics Nichols Institute San Juan Capistrano); PubMed 18071904 (cited by Quest Diagnostics Nichols Institute San Juan Capistrano and Laboratory for Molecular Medicine, Mass General Brigham Personalized Medicine); PubMed 29907814 (cited by Quest Diagnostics Nichols Institute San Juan Capistrano); PubMed 30487145 (cited by Quest Diagnostics Nichols Institute San Juan Capistrano); PubMed 29339979 (cited by 3 submitters); PubMed 28324225 (cited by Quest Diagnostics Nichols Institute San Juan Capistrano); PubMed 12393792 (cited by 5 submitters); PubMed 22160602 (cited by 5 submitters); PubMed 22762150 (cited by 4 submitters); PubMed 25085752 (cited by Ambry Genetics and Laboratory for Molecular Medicine, Mass General Brigham Personalized Medicine); PubMed 29446198 (cited by Ambry Genetics and Women's Health and Genetics/Laboratory Corporation of America, LabCorp); PubMed 20807450 (cited by 4 submitters); PubMed 22711857 (cited by 4 submitters); PubMed 25452441 (cited by 5 submitters); PubMed 11844822 (cited by 3 submitters); PubMed 15951958 (cited by 3 submitters); PubMed 9840533 (cited by Laboratory for Molecular Medicine, Mass General Brigham Personalized Medicine); PubMed 26843898 (cited by Laboratory for Molecular Medicine, Mass General Brigham Personalized Medicine); PubMed 26295337 (cited by Laboratory for Molecular Medicine, Mass General Brigham Personalized Medicine); PubMed 24830819 (cited by Laboratory for Molecular Medicine, Mass General Brigham Personalized Medicine).